The following is an entry in ClinVar:

ClinVar aggregate classification (germline): Pathogenic (1 of 4 stars; one submission).

Submission:

Labcorp Genetics (formerly Invitae), Labcorp
Classification: Pathogenic. Last evaluated: 2020-09-09. Review status: criteria provided, single submitter. Criteria: Invitae Variant Classification Sherloc (09022015). Collection method: clinical testing. Allele origin: germline.
Comment: Loss-of-function variants in ABCA4 are known to be pathogenic (PMID: 10958761, 24938718, 25312043, 26780318). This variant disrupts the p.Asn1442 amino acid residue in ABCA4. Other variant(s) that disrupt this residue have been determined to be pathogenic (PMID: 30834176, 23143460). This suggests that this residue is clinically significant, and that variants that disrupt this residue are likely to be disease-causing. This variant has not been reported in the literature in individuals with ABCA4-related conditions. This variant is not present in population databases (ExAC no frequency). This variant results in the deletion of part of exon 29 (c.4302_4352+128del) of the ABCA4 gene. It is expected to disrupt RNA splicing and likely results in an absent or disrupted protein product. For these reasons, this variant has been classified as Pathogenic.

Literature cited by the submitters: PubMed 10958761; PubMed 24938718; PubMed 25312043; PubMed 26780318; PubMed 30834176; PubMed 23143460.

NM_000350.3(ABCA4):c.4302_4352+128del

Gene: ABCA4 (ATP binding cassette subfamily A member 4; minus strand). Cytogenetic location: 1p22.1.
Variant type: Deletion.
Coding change: c.4302_4352+128del on transcript NM_000350.3 (MANE Select); coding-DNA position 4302 through 128 bases into the intron after coding-DNA position 4352, 179 bases deleted.
Molecular consequence: splice donor variant.
Genome position (GRCh38, 1-based): chr1:94,030,300-94,030,478, 179 bases deleted. GRCh37 (hg19): chr1:94,495,856-94,496,034.
Identifiers: ClinVar variation 1074771 (VCV001074771.7), dbSNP rs2101034641, ClinGen allele CA2499214887.